The following is an entry in ClinVar:

NM_181507.2(HPS5):c.807C>G (p.Leu269=)

Gene: HPS5 (HPS5 biogenesis of lysosomal organelles complex 2 subunit 2; minus strand). Cytogenetic location: 11p15.1.
Variant type: single nucleotide variant.
Coding change: c.807C>G on transcript NM_181507.2 (MANE Select); coding-DNA position 807, C replaced by G.
Protein change: p.Leu269=; no amino-acid change (leucine 269 retained).
Molecular consequence: synonymous variant.
Genome position (GRCh38, 1-based): chr11:18,306,152, G>C on the plus strand (C>G on the coding strand, the complement: HPS5 is on the minus strand). VCF-style: chr11-18306152-G-C. GRCh37 (hg19) VCF-style: chr11-18327699-G-C.
Other names: c.465C>G, p.Leu155= (NM_007216.4, NM_181508.2).
Identifiers: ClinVar variation 3019885 (VCV003019885.4), dbSNP rs1056462584, ClinGen allele CA218549703.

ClinVar aggregate classification (germline): Likely benign. Review status: criteria provided, multiple submitters, no conflicts (2 of 4 stars). 2 submissions from 2 submitters: Likely benign (2). Last evaluated 2026-04-03.

Conditions:
HPS5-related disorder. Also called: HPS5-related condition.

Allele frequency attached by ClinVar (database versions not stated): gnomAD 0.00001; TOPMed 0.00001.

Submissions (2):

PreventionGenetics, part of Exact Sciences
Classification: Likely benign for HPS5-related condition. Last evaluated: 2026-04-03. Review status: criteria provided, single submitter. Criteria: ACMG Guidelines, 2015. Collection method: clinical testing. Allele origin: germline.
Comment: This variant is classified as likely benign based on ACMG/AMP sequence variant interpretation guidelines (Richards et al. 2015 PMID: 25741868, with internal and published modifications).

Labcorp Genetics (formerly Invitae), Labcorp
Classification: Likely benign. Last evaluated: 2025-05-01. Review status: criteria provided, single submitter. Criteria: Invitae Variant Classification Sherloc (09022015). Collection method: clinical testing. Allele origin: germline.